The following is an entry in ClinVar:

NM_001365480.1(CCDC88A):c.2782T>A (p.Leu928Ile)

Gene: CCDC88A (coiled-coil domain containing 88A; minus strand). Cytogenetic location: 2p16.1.
Variant type: single nucleotide variant.
Coding change: c.2782T>A on transcript NM_001365480.1 (MANE Select); coding-DNA position 2782, T replaced by A.
Protein change: p.Leu928Ile; replaces leucine 928 with isoleucine.
Molecular consequence: missense variant.
Genome position (GRCh38, 1-based): chr2:55,332,639, A>T on the plus strand (T>A on the coding strand, the complement: CCDC88A is on the minus strand). VCF-style: chr2-55332639-A-T. GRCh37 (hg19) VCF-style: chr2-55559775-A-T.
Other names: c.2782T>A, p.Leu928Ile (NM_001135597.2, NM_001254943.2, NM_018084.5); short protein forms L928I.
Identifiers: ClinVar variation 1469162 (VCV001469162.5), dbSNP rs2104683192, ClinGen allele CA346896987.
Genomic context (GRCh38, chr2:55,332,639, plus strand): 5'-TTTGTTCATCATGTAAGAGTCGCTCCTTATTTAACCCTATCTTCTCAAGCTCATGAGTTA[A>T]TTTTTCGAGATCATTGTTCATCTGTTGGGTCTTCAACTTTTCACTCACCAAATCCTTATT-3'
Protein context (NP_001352409.1, residues 918-938): TQQMNNDLEK[Leu928Ile]THELEKIGLN

ClinVar aggregate classification (germline): Uncertain significance (1 of 4 stars; one submission).

gnomAD v4.1: 1 of 1,613,564 alleles (0.000062%); highest among the groups gnomAD compares: Non-Finnish European, 0.000085%; no homozygotes.

Submission:

Labcorp Genetics (formerly Invitae), Labcorp
Classification: Uncertain significance. Last evaluated: 2021-08-31. Review status: criteria provided, single submitter. Criteria: Invitae Variant Classification Sherloc (09022015). Collection method: clinical testing. Allele origin: germline.
Comment: This sequence change replaces leucine with isoleucine at codon 928 of the CCDC88A protein (p.Leu928Ile). The leucine residue is highly conserved and there is a small physicochemical difference between leucine and isoleucine. This variant is not present in population databases (ExAC no frequency). This variant has not been reported in the literature in individuals affected with CCDC88A-related conditions. Algorithms developed to predict the effect of missense changes on protein structure and function are either unavailable or do not agree on the potential impact of this missense change (SIFT: "Deleterious"; PolyPhen-2: "Probably Damaging"; Align-GVGD: "Class C0"). In summary, the available evidence is currently insufficient to determine the role of this variant in disease. Therefore, it has been classified as a Variant of Uncertain Significance.